The following is an entry in ClinVar:

ClinVar aggregate classification (germline): Pathogenic/Likely pathogenic. Review status: criteria provided, multiple submitters, no conflicts (2 of 4 stars). 2 submissions from 2 submitters: Pathogenic (1); Likely pathogenic (1). Last evaluated 2026-09-08.

Conditions:
ABCC6-related disorder. Also called: ABCC6-related condition.

Submissions (2):

PreventionGenetics, part of Exact Sciences
Classification: Pathogenic for ABCC6-related condition. Last evaluated: 2026-09-08. Review status: criteria provided, single submitter. Criteria: ACMG Guidelines, 2015. Collection method: clinical testing. Allele origin: germline.
Comment: The ABCC6 c.897delG variant is predicted to result in premature protein termination (p.Leu300*). To our knowledge, this variant has not been reported in the literature or in a large population database (gnomAD), indicating this variant is rare. Nonsense variants in ABCC6 are expected to be pathogenic. This variant is interpreted as pathogenic.

Blueprint Genetics
Classification: Likely pathogenic for ABCC6-related disorders. Last evaluated: 2021-07-08. Review status: criteria provided, single submitter. Criteria: ACMG Guidelines, 2015. Collection method: clinical testing. Allele origin: germline. Affected: yes. Observed: 2 variant alleles.

NM_001171.6(ABCC6):c.897del (p.Leu299_Leu300insTer)

Gene: ABCC6 (ATP binding cassette subfamily C member 6; minus strand). Cytogenetic location: 16p13.11.
Variant type: Deletion.
Coding change: c.897del on transcript NM_001171.6 (MANE Select); coding-DNA position 897, one base deleted (G; older notation c.897delG).
Protein change: p.Leu299_Leu300insTer.
Molecular consequence: frameshift variant. On other transcripts: non-coding transcript variant (4).
Genome position (GRCh38, 1-based): chr16:16,203,511, C deleted on the plus strand (G on the coding strand, the reverse complement: ABCC6 is on the minus strand). VCF-style (leftmost placement, unchanged base first): chr16-16203510-GC-G. GRCh37 (hg19) VCF-style: chr16-16297367-GC-G.
Other names: c.897delG (NM_001171.5); c.555del, p.Leu185_Leu186insTer (NM_001351800.1); c.897del, p.Leu299_Leu300insTer (NM_001440309.1, NM_001440310.1).
Identifiers: ClinVar variation 4928759 (VCV004928759.2).